The following is an entry in ClinVar:

NC_000023.10:g.(?_31139930)_(31140067_?)dup

Gene: DMD (dystrophin; minus strand). Cytogenetic location: Xp21.2.
Variant type: Duplication.
Identifiers: ClinVar variation 583951 (VCV000583951.2).

ClinVar aggregate classification (germline): Uncertain significance (1 of 4 stars; one submission).

Conditions:
Duchenne muscular dystrophy (DMD). Also called: MUSCULAR DYSTROPHY, PSEUDOHYPERTROPHIC PROGRESSIVE, DUCHENNE TYPE; Duchenne Muscular Dystrophy (DMD). Identifiers: Orphanet 98896, MedGen C0013264, MONDO:0010679, OMIM 310200.

Submission:

Labcorp Genetics (formerly Invitae), Labcorp
Classification: Uncertain significance for Duchenne muscular dystrophy. Last evaluated: 2018-03-23. Review status: criteria provided, single submitter. Criteria: Invitae Variant Classification Sherloc (09022015). Collection method: clinical testing. Allele origin: germline.
Comment: This variant is a gross duplication of the genomic region encompassing exon 79 of the DMD gene. The 5' boundary is likely confined to intron 78. The 3' end of this event is unknown as it extends beyond the assayed region for this gene and therefore may encompass additional genes. The exact location of this variant in the genome is unknown. This variant has not been reported in the literature in individuals with DMD-related disease. In summary, the available evidence is currently insufficient to determine the role of this variant in disease. Therefore, it has been classified as a Variant of Uncertain Significance.